The following is an entry in ClinVar:

ClinVar aggregate classification (germline): Benign/Likely benign. Review status: criteria provided, multiple submitters, no conflicts (2 of 4 stars). 3 submissions from 3 submitters: Benign (1); Likely benign (1). 1 of the submissions does not count toward it. Last evaluated 2025-06-01.

Conditions:
NFIA-Related Disorder. Also called: NFIA-related condition; NFIA-related disorders. Identifiers: MedGen CN381099.

Allele frequency attached by ClinVar (database versions not stated): TOPMed 0.00004; gnomAD 0.00005; ExAC 0.00007.
gnomAD v4.1: 55 of 1,613,606 alleles (0.0034%); highest among the groups gnomAD compares: Admixed American, 0.072%; 1 homozygote.

Submissions (3):

CeGaT Center for Human Genetics Tuebingen
Classification: Likely benign. Last evaluated: 2025-06-01. Review status: criteria provided, single submitter. Criteria: CeGaT Center For Human Genetics Tuebingen Variant Classification Criteria Version 2. Collection method: clinical testing. Allele origin: germline. Affected: yes. Observed: 1 variant allele.
Comment: NFIA: BP4, BP7

Labcorp Genetics (formerly Invitae), Labcorp
Classification: Benign. Last evaluated: 2024-09-30. Review status: criteria provided, single submitter. Criteria: Invitae Variant Classification Sherloc (09022015). Collection method: clinical testing. Allele origin: germline.

PreventionGenetics, part of Exact Sciences
Classification: Likely benign for NFIA-related condition. Last evaluated: 2021-05-05. Review status: no assertion criteria provided. Collection method: clinical testing. Allele origin: germline. Not counted in ClinVar's aggregate classification.
Comment: This variant is classified as likely benign based on ACMG/AMP sequence variant interpretation guidelines (Richards et al. 2015 PMID: 25741868, with internal and published modifications).

NM_001134673.4(NFIA):c.570A>G (p.Gln190=)

Gene: NFIA (nuclear factor I A; plus strand). Cytogenetic location: 1p31.3.
Variant type: single nucleotide variant.
Coding change: c.570A>G on transcript NM_001134673.4 (MANE Select); coding-DNA position 570, A replaced by G.
Protein change: p.Gln190=; no amino-acid change (glutamine 190 retained).
Molecular consequence: synonymous variant.
Genome position (GRCh38, 1-based): chr1:61,277,530, A>G. VCF-style: chr1-61277530-A-G. GRCh37 (hg19) VCF-style: chr1-61743202-A-G.
Other names: c.570A>G (NM_005595.4); c.546A>G, p.Gln182= (NM_001145511.2); c.705A>G, p.Gln235= (NM_001145512.2); c.570A>G, p.Gln190= (NM_005595.5).
Identifiers: ClinVar variation 2185614 (VCV002185614.16), dbSNP rs759024271, ClinGen allele CA880970.